The following is an entry in ClinVar:

NM_000316.3(PTH1R):c.1256T>C (p.Val419Ala)

Gene: PTH1R (parathyroid hormone 1 receptor; plus strand). Cytogenetic location: 3p21.31.
Variant type: single nucleotide variant.
Coding change: c.1256T>C on transcript NM_000316.3 (MANE Select); coding-DNA position 1256, T replaced by C.
Protein change: p.Val419Ala; replaces valine 419 with alanine.
Molecular consequence: missense variant.
Genome position (GRCh38, 1-based): chr3:46,902,570, T>C. VCF-style: chr3-46902570-T-C. GRCh37 (hg19) VCF-style: chr3-46944060-T-C.
Other names: c.1256T>C, p.Val419Ala (NM_001184744.1); short protein forms V419A.
Identifiers: ClinVar variation 3676912 (VCV003676912.2).

ClinVar aggregate classification (germline): Uncertain significance (1 of 4 stars; one submission).

gnomAD v4.1: 13 of 1,613,400 alleles (0.00081%); highest among the groups gnomAD compares: Non-Finnish European, 0.001%; no homozygotes.

Submission:

Labcorp Genetics (formerly Invitae), Labcorp
Classification: Uncertain significance. Last evaluated: 2024-04-09. Review status: criteria provided, single submitter. Criteria: Invitae Variant Classification Sherloc (09022015). Collection method: clinical testing. Allele origin: germline.
Comment: This sequence change replaces valine, which is neutral and non-polar, with alanine, which is neutral and non-polar, at codon 419 of the PTH1R protein (p.Val419Ala). This variant is present in population databases (rs780040505, gnomAD 0.0009%). This variant has not been reported in the literature in individuals affected with PTH1R-related conditions. Advanced modeling of protein sequence and biophysical properties (such as structural, functional, and spatial information, amino acid conservation, physicochemical variation, residue mobility, and thermodynamic stability) performed at Invitae indicates that this missense variant is not expected to disrupt PTH1R protein function with a negative predictive value of 80%. In summary, the available evidence is currently insufficient to determine the role of this variant in disease. Therefore, it has been classified as a Variant of Uncertain Significance.